The following is an entry in ClinVar:

ClinVar aggregate classification (germline): Conflicting classifications of pathogenicity. Review status: criteria provided, conflicting classifications (1 of 4 stars). 8 submissions from 8 submitters: Uncertain significance (6); Likely benign (2). Last evaluated 2025-12-09.

Conditions:
BRCA2-related cancer predisposition. Identifiers: MedGen CN377758, MONDO:0700269.
Hereditary cancer-predisposing syndrome. Also called: Tumor predisposition; Hereditary neoplastic syndrome; Neoplastic Syndromes, Hereditary; Hereditary Cancer Syndrome. Identifiers: Orphanet 140162, MedGen C0027672, MeSH D009386, MONDO:0015356.
Hereditary breast ovarian cancer syndrome. Also called: Hereditary breast and ovarian cancer; Breast and ovarian cancer; Hereditary breast and ovarian cancer syndrome (HBOC); Hereditary breast and/or ovarian cancer syndrome; Hereditary breast and ovarian cancer syndrome; BRCA1- and BRCA2-Associated Hereditary Breast and Ovarian Cancer. Identifiers: Orphanet 145, MedGen C0677776, MeSH D061325, MONDO:0003582. Disease mechanism: loss of function.

Allele frequency attached by ClinVar (database versions not stated): gnomAD exomes below 0.00001; ExAC 0.00001; gnomAD 0.00002; TOPMed 0.00002.
gnomAD v4.1: 5 of 1,613,290 alleles (0.00031%); highest among the groups gnomAD compares: African/African-American, 0.0053%; no homozygotes.

Submissions (8):

Labcorp Genetics (formerly Invitae), Labcorp
Classification: Uncertain significance for Hereditary breast ovarian cancer syndrome. Last evaluated: 2025-12-09. Review status: criteria provided, single submitter. Criteria: Invitae Variant Classification Sherloc (09022015). Collection method: clinical testing. Allele origin: germline.
Comment: This sequence change replaces serine, which is neutral and polar, with asparagine, which is neutral and polar, at codon 2059 of the BRCA2 protein (p.Ser2059Asn). This variant is present in population databases (rs587780657, gnomAD 0.007%). This missense change has been observed in individual(s) with breast cancer and ovarian cancer (PMID: 24504028, 28503720). ClinVar contains an entry for this variant (Variation ID: 135808). Invitae Evidence Modeling of protein sequence and biophysical properties (such as structural, functional, and spatial information, amino acid conservation, physicochemical variation, residue mobility, and thermodynamic stability) indicates that this missense variant is not expected to disrupt BRCA2 protein function with a negative predictive value of 95%. In summary, the available evidence is currently insufficient to determine the role of this variant in disease. Therefore, it has been classified as a Variant of Uncertain Significance.

All of Us Research Program, National Institutes of Health
Classification: Uncertain significance for BRCA2-related cancer predisposition. Last evaluated: 2024-08-06. Review status: criteria provided, single submitter. Criteria: ACMG Guidelines, 2015. Collection method: clinical testing. Allele origin: germline. Inheritance: Autosomal dominant inheritance. Observed: 2 variant alleles, 2 heterozygotes.
Comment: This missense variant replaces serine with asparagine at codon 2059 of the BRCA2 protein. Computational prediction suggests that this variant may not impact protein structure and function (internally defined REVEL score threshold <= 0.5, PMID: 27666373). To our knowledge, functional studies have not been reported for this variant. This variant has been reported in one individual each affected with breast and ovarian cancer (PMID: 24504028, 28503720). This variant has been identified in 1/250662 chromosomes in the general population by the Genome Aggregation Database (gnomAD). The available evidence is insufficient to determine the role of this variant in disease conclusively. Therefore, this variant is classified as a Variant of Uncertain Significance.

This study involves interpretation of variants in research participants for the purpose of population health screening. Participant phenotype was not available at the time of variant classification. Additional details can be found in publication PMID: 35346344, PMCID: PMC8962531

Ambry Genetics
Classification: Likely benign for Hereditary cancer-predisposing syndrome. Last evaluated: 2024-05-01. Review status: criteria provided, single submitter. Criteria: Ambry Variant Classification Scheme 2023. Collection method: clinical testing. Allele origin: germline.

GeneDx
Classification: Uncertain significance. Last evaluated: 2023-11-10. Review status: criteria provided, single submitter. Criteria: GeneDx Variant Classification Process June 2021. Collection method: clinical testing. Allele origin: germline. Affected: yes.
Comment: In silico analysis supports that this missense variant does not alter protein structure/function; Not observed at significant frequency in large population cohorts (gnomAD); Also known as 6404G>A; This variant is associated with the following publications: (PMID: 24504028, 28503720, 26295337, 9002670, 22193408, 32377563, 31853058, 29884841)

Color Diagnostics, LLC DBA Color Health
Classification: Uncertain significance for Hereditary cancer-predisposing syndrome. Last evaluated: 2023-06-22. Review status: criteria provided, single submitter. Criteria: ACMG Guidelines, 2015. Collection method: clinical testing. Allele origin: germline.
Comment: This missense variant replaces serine with asparagine at codon 2059 of the BRCA2 protein. Computational prediction suggests that this variant may not impact protein structure and function (internally defined REVEL score threshold <= 0.5, PMID: 27666373). To our knowledge, functional studies have not been reported for this variant. This variant has been reported in one individual each affected with breast and ovarian cancer (PMID: 24504028, 28503720). This variant has been identified in 1/250662 chromosomes in the general population by the Genome Aggregation Database (gnomAD). The available evidence is insufficient to determine the role of this variant in disease conclusively. Therefore, this variant is classified as a Variant of Uncertain Significance.

Quest Diagnostics Nichols Institute San Juan Capistrano
Classification: Uncertain significance. Last evaluated: 2023-06-20. Review status: criteria provided, single submitter. Criteria: Quest Diagnostics criteria. Collection method: clinical testing. Allele origin: unknown.
Comment: In the published literature, this variant has been reported in individuals with breast cancer (PMID: 28503720 (2017)) and ovarian cancer (PMID: 24504028 (2014)). The frequency of this variant in the general population, 0.000004 (1/250662 chromosomes (Genome Aggregation Database)), is uninformative in the assessment of its pathogenicity. Analysis of this variant using bioinformatics tools for the prediction of the effect of amino acid changes on protein structure and function yielded predictions that this variant is benign. Based on the available information, we are unable to determine the clinical significance of this variant.

University of Washington Department of Laboratory Medicine, University of Washington
Classification: Likely benign for Hereditary cancer-predisposing syndrome. Last evaluated: 2023-03-23. Review status: criteria provided, single submitter. Criteria: Dines et al. (Genet Med. 2020). Collection method: curation. Allele origin: germline.
Comment: Missense variant in a coldspot region where missense variants are very unlikely to be pathogenic (PMID:31911673).

BRCA2 exon 11 coldspot. Reclassification based on statistical prior probability.

Women's Health and Genetics/Laboratory Corporation of America, LabCorp
Classification: Uncertain significance. Last evaluated: 2022-04-17. Review status: criteria provided, single submitter. Criteria: LabCorp Variant Classification Summary - May 2015. Collection method: clinical testing. Allele origin: germline.
Comment: Variant summary: BRCA2 c.6176G>A (p.Ser2059Asn) results in a conservative amino acid change in the encoded protein sequence. Five of five in-silico tools predict a benign effect of the variant on protein function. The variant allele was found at a frequency of 4e-06 in 250662 control chromosomes. The available data on variant occurrences in the general population are insufficient to allow any conclusion about variant significance. c.6176G>A has been reported in the literature as a VUS in individuals affected with epithelial ovarian cancer (example, Cunningham_2014) and invasive breast cancer (example, Rummel_2017). These report(s) do not provide unequivocal conclusions about association of the variant with Hereditary Breast And Ovarian Cancer Syndrome. To our knowledge, no experimental evidence demonstrating an impact on protein function has been reported. Four clinical diagnostic laboratories have submitted clinical-significance assessments for this variant to ClinVar after 2014 without evidence for independent evaluation. All laboratories classified the variant as uncertain significance. Based on the evidence outlined above, the variant was classified as uncertain significance.

Literature cited by the submitters: PubMed 24504028 (cited by 6 submitters); PubMed 28503720 (cited by 6 submitters); PubMed 31911673 (cited by Quest Diagnostics Nichols Institute San Juan Capistrano); PubMed 26295337 (cited by Quest Diagnostics Nichols Institute San Juan Capistrano).

NM_000059.4(BRCA2):c.6176G>A (p.Ser2059Asn)

Gene: BRCA2 (BRCA2 DNA repair associated; plus strand). Cytogenetic location: 13q13.1.
Variant type: single nucleotide variant.
Coding change: c.6176G>A on transcript NM_000059.4 (MANE Select); coding-DNA position 6176, G replaced by A.
Protein change: p.Ser2059Asn; replaces serine 2059 with asparagine.
Molecular consequence: missense variant.
Genome position (GRCh38, 1-based): chr13:32,340,531, G>A. VCF-style: chr13-32340531-G-A. GRCh37 (hg19) VCF-style: chr13-32914668-G-A.
Other names: short protein forms S2059N.
Identifiers: ClinVar variation 135808 (VCV000135808.24), dbSNP rs587780657, ClinGen allele CA023720.
Genomic context (GRCh38, chr13:32,340,531, plus strand): 5'-TAATATCCCAAAAAGGCTTTTCATATAATGTGGTAAATTCATCTGCTTTCTCTGGATTTA[G>A]TACAGCAAGTGGAAAGCAAGTTTCCATTTTAGAAAGTTCCTTACACAAAGTTAAGGGAGT-3'
Protein context (NP_000050.3, residues 2049-2069): VVNSSAFSGF[Ser2059Asn]TASGKQVSIL